The following is an entry in ClinVar:

NM_007194.4(CHEK2):c.614C>T (p.Thr205Ile)

Gene: CHEK2 (checkpoint kinase 2; minus strand). Cytogenetic location: 22q12.1.
Variant type: single nucleotide variant.
Coding change: c.614C>T on transcript NM_007194.4 (MANE Select); coding-DNA position 614, C replaced by T.
Protein change: p.Thr205Ile; replaces threonine 205 with isoleucine.
Molecular consequence: missense variant. On other transcripts: 5 prime UTR variant (2), intron variant (1).
Genome position (GRCh38, 1-based): chr22:28,719,464, G>A on the plus strand (C>T on the coding strand, the complement: CHEK2 is on the minus strand). VCF-style: chr22-28719464-G-A. GRCh37 (hg19) VCF-style: chr22-29115452-G-A.
Other names: c.743C>T, p.Thr248Ile (NM_001005735.3, NM_001438294.1); c.-50C>T (NM_001257387.3, NM_001437942.1); c.707C>T, p.Thr236Ile (NM_001438293.1, NM_001438295.1); c.614C>T, p.Thr205Ile (NM_145862.3); c.482+5422C>T (NM_001349956.3); short protein forms T205I, T248I, T236I.
Identifiers: ClinVar variation 530183 (VCV000530183.20), dbSNP rs759734429, ClinGen allele CA10167932.
Genomic context (GRCh38, chr22:28,719,464, plus strand): 5'-GTTTTTGACATGATGTATTCATCTCTTAATGCCTTAGGATAAACTGACTGATCATCTACA[G>A]TCAGATCAAAAAAGACAAAAACTAAGGAAGAAAAGAGTAGAAATGGGTTTCATTAATTTA-3'
Protein context (NP_009125.1, residues 195-215): RNKVFVFFDL[Thr205Ile]VDDQSVYPKA

ClinVar aggregate classification (germline): Uncertain significance. Review status: criteria provided, multiple submitters, no conflicts (2 of 4 stars). 4 submissions from 4 submitters: Uncertain significance (4). Last evaluated 2025-11-27.

Conditions:
Hereditary cancer-predisposing syndrome. Also called: Neoplastic Syndromes, Hereditary; Hereditary Cancer Syndrome; Tumor predisposition; Hereditary neoplastic syndrome. Identifiers: Orphanet 140162, MedGen C0027672, MeSH D009386, MONDO:0015356.
Familial cancer of breast. Also called: BREAST CANCER, FAMILIAL; hereditary breast carcinoma; Hereditary breast cancer. Identifiers: Orphanet 227535, MedGen C0346153, MONDO:0016419, OMIM 114480. Disease mechanism: loss of function.

Allele frequency attached by ClinVar (database versions not stated): gnomAD exomes below 0.00001; TOPMed below 0.00001; ExAC 0.00002.
gnomAD v4.1: 5 of 1,593,664 alleles (0.00031%); highest among the groups gnomAD compares: Non-Finnish European, 0.00043%; no homozygotes.

Submissions (4):

Dasa
Classification: Uncertain significance. Last evaluated: 2025-11-27. Review status: criteria provided, single submitter. Criteria: DASA Assertion Criteria. Collection method: clinical testing. Allele origin: germline.
Comment: NM_007194.4(CHEK2):c.614C>T (p.Thr205Ile) is a missense variant that results in the substitution of threonine with isoleucine. Functional evidence supports an impact on the gene or gene product (PMID: 37449874). Also, this variant is rare in population databases. Computational prediction algorithms are consistent with a deleterious effect. The currently available literature and clinical evidence are not sufficient to establish a definitive association between this variant and the reported condition. Therefore, this variant is classified as a variant of uncertain significance.

Labcorp Genetics (formerly Invitae), Labcorp
Classification: Uncertain significance for Familial cancer of breast. Last evaluated: 2025-06-20. Review status: criteria provided, single submitter. Criteria: Invitae Variant Classification Sherloc (09022015). Collection method: clinical testing. Allele origin: germline.
Comment: This sequence change replaces threonine, which is neutral and polar, with isoleucine, which is neutral and non-polar, at codon 205 of the CHEK2 protein (p.Thr205Ile). The frequency data for this variant in the population databases is considered unreliable, as metrics indicate poor data quality at this position in the gnomAD database. This variant has not been reported in the literature in individuals affected with CHEK2-related conditions. ClinVar contains an entry for this variant (Variation ID: 530183). An algorithm developed to predict the effect of missense changes on protein structure and function (PolyPhen-2) suggests that this variant is likely to be tolerated. RNA analysis performed to evaluate the impact of this missense change on mRNA splicing indicates it does not significantly alter splicing (internal data). In summary, the available evidence is currently insufficient to determine the role of this variant in disease. Therefore, it has been classified as a Variant of Uncertain Significance.

Ambry Genetics
Classification: Uncertain significance for Hereditary cancer-predisposing syndrome. Last evaluated: 2025-01-17. Review status: criteria provided, single submitter. Criteria: Ambry Variant Classification Scheme 2023. Collection method: clinical testing. Allele origin: germline.
Comment: The p.T205I variant (also known as c.614C>T), located in coding exon 4 of the CHEK2 gene, results from a C to T substitution at nucleotide position 614. The threonine at codon 205 is replaced by isoleucine, an amino acid with similar properties. This variant was reported as functional in a study assessing CHEK2-complementation through quantification of KAP1 phosphorylation and CHK2 autophosphorylation in human RPE1-CHEK2-knockout cells (Stolarova L et al. Clin Cancer Res, 2023 Aug;29:3037-3050). This amino acid position is well conserved in available vertebrate species. In addition, the in silico prediction for this alteration is inconclusive. Based on the available evidence, the clinical significance of this variant remains unclear.

Genetic Services Laboratory, University of Chicago
Classification: Uncertain significance. Last evaluated: 2021-09-22. Review status: criteria provided, single submitter. Criteria: ACMG Guidelines, 2015. Collection method: clinical testing. Allele origin: germline. Affected: no.
Comment: DNA sequence analysis of the CHEK2 gene demonstrated a sequence change, c.614C>T, in exon 5 that results in an amino acid change, p.Thr205Ile. This sequence change has been described in the gnomAD database with a frequency of 0.001% in the non-Finnish European subpopulation (dbSNP rs759734429). The p.Thr205Ile change affects a moderately conserved amino acid residue located in a domain of the CHEK2 protein that is known to be functional. In-silico pathogenicity prediction tools (SIFT, PolyPhen2, Align GVGD, REVEL) provide contradictory results for the p.Thr205Ile substitution. This sequence change has been identified in an individual with a personal history of breast and thyroid cancer (PMID: 34130653). Due to insufficient evidences and the lack of functional studies, the clinical significance of the p.Thr205Ile change remains unknown at this time.

Literature cited by the submitters: PubMed 37449874 (cited by Dasa and Ambry Genetics).